The following is an entry in ClinVar:

ClinVar aggregate classification (germline): Uncertain significance (1 of 4 stars; one submission).

Conditions:
Hereditary cancer-predisposing syndrome. Also called: Neoplastic Syndromes, Hereditary; Tumor predisposition; Hereditary neoplastic syndrome; Hereditary Cancer Syndrome. Identifiers: Orphanet 140162, MedGen C0027672, MeSH D009386, MONDO:0015356.

gnomAD v4.1: 16 of 1,553,894 alleles (0.001%); highest among the groups gnomAD compares: Admixed American, 0.0019%; no homozygotes.

Submission:

Ambry Genetics
Classification: Uncertain significance for Hereditary cancer-predisposing syndrome. Last evaluated: 2024-05-24. Review status: criteria provided, single submitter. Criteria: Ambry Variant Classification Scheme 2023. Collection method: clinical testing. Allele origin: germline.
Comment: The c.125-3C>T intronic variant results from a C to T substitution 3 nucleotides upstream from coding exon 3 in the POT1 gene. This nucleotide position is well conserved in available vertebrate species. In silico splice site analysis for this alteration is inconclusive. Based on the available evidence, the clinical significance of this variant remains unclear.

NM_015450.3(POT1):c.125-3C>T

Gene: POT1 (protection of telomeres 1; minus strand). Cytogenetic location: 7q31.33.
Variant type: single nucleotide variant.
Coding change: c.125-3C>T on transcript NM_015450.3 (MANE Select); 3 bases into the intron before coding-DNA position 125, C replaced by T.
Molecular consequence: intron variant.
Genome position (GRCh38, 1-based): chr7:124,871,044, G>A on the plus strand (C>T on the coding strand, the complement: POT1 is on the minus strand). VCF-style: chr7-124871044-G-A. GRCh37 (hg19) VCF-style: chr7-124511098-G-A.
Other names: c.-138-7404C>T (NM_001042594.2).
Identifiers: ClinVar variation 3308968 (VCV003308968.1).
Genomic context (GRCh38, chr7:124,871,044, plus strand): 5'-AGCAGGCAAGTTAGTTTTACATTTGTCTGGTCCACAATAGTTACAACTGAGCAATAATCT[G>A]GAAAACACAAAAATATTTTACCTGACTTTCAATATTTTAAAGCATTTGATAAAATAAGAA-3'